The following is an entry in ClinVar:

ClinVar aggregate classification (germline): Likely pathogenic (1 of 4 stars; one submission).

Conditions:
Phenylketonuria (PKU). Also called: Phenylketonuria (PKU); FOLLING DISEASE; OLIGOPHRENIA PHENYLPYRUVICA; Phenylketonurias. Identifiers: Orphanet 716, MedGen C0031485, MONDO:0009861, OMIM 261600. Disease mechanism: loss of function.

Submission:

Unidade de Bioquimica Genetica, Centro Hospitalar do Porto
Classification: Likely pathogenic for Phenylketonuria. Last evaluated: 2017-11-06. Review status: criteria provided, single submitter. Criteria: ACMG Guidelines, 2015. Collection method: clinical testing. Allele origin: germline. Inheritance: Autosomal recessive inheritance. Affected: yes. Observed: 2 variant alleles, 2 compound heterozygotes. Clinical features observed: Hyperphenylalaninemia, Reduced phenylalanine hydroxylase level.
Comment: The variant was found in two sisters with a biochemical diagnosis of phenylketonuria in compound heterozygosity with IVS12+1G>A (c.1315+1G>A) in intron 12, a known pathogenic mutation. The variant is not present in ClinVar database. It was predicted as damaging by the in silico tools PROVEAN, SIFT, PolyPhen-2, and Mutation Taster.

NM_000277.3(PAH):c.934G>T (p.Gly312Cys)

Gene: PAH (phenylalanine hydroxylase; minus strand). Cytogenetic location: 12q23.2.
Variant type: single nucleotide variant.
Coding change: c.934G>T on transcript NM_000277.3 (MANE Select); coding-DNA position 934, G replaced by T.
Protein change: p.Gly312Cys; replaces glycine 312 with cysteine.
Molecular consequence: missense variant.
Genome position (GRCh38, 1-based): chr12:102,846,930, C>A on the plus strand (G>T on the coding strand, the complement: PAH is on the minus strand). VCF-style: chr12-102846930-C-A. GRCh37 (hg19) VCF-style: chr12-103240708-C-A.
Other names: c.934G>T, p.Gly312Cys (NM_001354304.2); short protein forms G312C.
Identifiers: ClinVar variation 446506 (VCV000446506.3), dbSNP rs763115697, ClinGen allele CA386291684.